The following is an entry in ClinVar:

NM_032208.3(ANTXR1):c.1367C>T (p.Ala456Val)

Gene: ANTXR1 (ANTXR cell adhesion molecule 1; plus strand). Cytogenetic location: 2p13.3.
Variant type: single nucleotide variant.
Coding change: c.1367C>T on transcript NM_032208.3 (MANE Select); coding-DNA position 1367, C replaced by T.
Protein change: p.Ala456Val; replaces alanine 456 with valine.
Molecular consequence: missense variant.
Genome position (GRCh38, 1-based): chr2:69,193,348, C>T. VCF-style: chr2-69193348-C-T. GRCh37 (hg19) VCF-style: chr2-69420480-C-T.
Other names: short protein forms A456V.
Identifiers: ClinVar variation 1049206 (VCV001049206.1), dbSNP rs141308086, ClinGen allele CA1693325.

ClinVar aggregate classification (germline): Uncertain significance (0 of 4 stars; one submission).

Allele frequency attached by ClinVar (database versions not stated): ExAC 0.00003; gnomAD 0.00003; gnomAD exomes 0.00003; TOPMed 0.00003; ESP Exome Variant Server 0.00008.
gnomAD v4.1: 48 of 1,613,674 alleles (0.003%); highest among the groups gnomAD compares: Non-Finnish European, 0.0036%; no homozygotes.

Submission:

Department of Pathology and Laboratory Medicine, Sinai Health System
Classification: Uncertain significance. Review status: no assertion criteria provided. Collection method: clinical testing. Allele origin: unknown. Affected: yes. Study: The Canadian Open Genetics Repository (COGR).
Comment: The ANTXR1 p.Ala456Val variant was not identified in the literature or in ClinVar, Cosmic, or LOVD 3.0. The variant was identified in dbSNP (ID: rs141308086) and in control databases in 8 of 282852 chromosomes at a frequency of 0.000028 (Genome Aggregation Database Feb 27, 2017). The variant was observed in the European (non-Finnish) population in 8 of 129182 chromosomes (freq: 0.000062), but not in the African, Latino, Ashkenazi Jewish, East Asian, European (Finnish), Other, or South Asian populations. The p.Ala456 residue is conserved in across mammals and other organisms however computational analyses (PolyPhen-2, SIFT, AlignGVGD, BLOSUM, MutationTaster) provide inconsistent predictions regarding the impact to the protein. In silico or computational prediction software programs (SpliceSiteFinder, MaxEntScan, NNSPLICE, GeneSplicer) do not predict a difference in splicing. In summary, based on the above information the clinical significance of this variant cannot be determined with certainty at this time. This variant is classified as a variant of uncertain significance.